The following is an entry in ClinVar:

NM_174936.4(PCSK9):c.927C>T (p.Val309=)

Gene: PCSK9 (proprotein convertase subtilisin/kexin type 9; plus strand). Cytogenetic location: 1p32.3.
Variant type: single nucleotide variant.
Coding change: c.927C>T on transcript NM_174936.4 (MANE Select); coding-DNA position 927, C replaced by T.
Protein change: p.Val309=; no amino-acid change (valine 309 retained).
Molecular consequence: synonymous variant. On other transcripts: non-coding transcript variant (8).
Genome position (GRCh38, 1-based): chr1:55,056,120, C>T. VCF-style: chr1-55056120-C-T. GRCh37 (hg19) VCF-style: chr1-55521793-C-T.
Other names: c.1050C>T, p.Val350= (NM_001407240.1); c.927C>T, p.Val309= (NM_001407241.1, NM_001407244.1, NM_001407247.1); c.930C>T, p.Val310= (NM_001407242.1); c.870C>T, p.Val290= (NM_001407243.1); c.735C>T, p.Val245= (NM_001407245.1); c.552C>T, p.Val184= (NM_001407246.1).
Identifiers: ClinVar variation 3392979 (VCV003392979.1).
Genomic context (GRCh38, chr1:55,056,120, plus strand): 5'-GGCGGGTGGGTACAGCCGCGTCCTCAACGCCGCCTGCCAGCGCCTGGCGAGGGCTGGGGT[C>T]GTGCTGGTCACCGCTGCCGGCAACTTCCGGGACGATGCCTGCCTCTACTCCCCAGCCTCA-3'
Protein context (NP_777596.2, residues 299-319): AACQRLARAG[Val309=]VLVTAAGNFR

ClinVar aggregate classification (germline): Likely benign (1 of 4 stars; one submission).

Conditions:
Familial hypercholesterolemia. Also called: Familial hypercholesterolaemia. Identifiers: MedGen C0020445, MONDO:0005439.

gnomAD v4.1: 2 of 1,578,030 alleles (0.00013%); highest among the groups gnomAD compares: Admixed American, 0.0034%; no homozygotes.

Submission:

GENinCode PLC
Classification: Likely benign for Familial hypercholesterolemia. Last evaluated: 2024-06-06. Review status: criteria provided, single submitter. Criteria: ACMG Guidelines, 2015. Collection method: clinical testing. Allele origin: germline.
Comment: This is a synonymous (silent) variant that is not predicted by SpliceAI to impact splicing. In addition, it occurs at a nucleotide that is not conserved. Therefore this variant has been classified as Likely Benign (BP4, BP7).